The following is an entry in ClinVar:

ClinVar aggregate classification (germline): Likely benign. Review status: criteria provided, multiple submitters, no conflicts (2 of 4 stars). 3 submissions from 3 submitters: Likely benign (2). 1 of the submissions does not count toward it. Last evaluated 2025-06-13.

Conditions:
DZIP1L-related disorder. Also called: DZIP1L-related condition.

Allele frequency attached by ClinVar (database versions not stated): gnomAD exomes 0.00007 and 0.00017; ExAC 0.00018; 1000 Genomes Project 0.00020; 1000 Genomes Project 30x 0.00031; gnomAD 0.00066 and 0.00071; ESP Exome Variant Server 0.00077; TOPMed 0.00096.
gnomAD v4.1: 212 of 1,614,170 alleles (0.013%); highest among the groups gnomAD compares: African/African-American, 0.2%; no homozygotes.

Submissions (3):

Labcorp Genetics (formerly Invitae), Labcorp
Classification: Likely benign. Last evaluated: 2025-06-13. Review status: criteria provided, single submitter. Criteria: Invitae Variant Classification Sherloc (09022015). Collection method: clinical testing. Allele origin: germline.

Breakthrough Genomics
Classification: Likely benign. Review status: criteria provided, single submitter. Criteria: ACMG Guidelines, 2015. Collection method: not provided. Allele origin: germline. Inheritance: Autosomal recessive inheritance. Affected: yes.

PreventionGenetics, part of Exact Sciences
Classification: Likely benign for DZIP1L-related condition. Last evaluated: 2019-03-25. Review status: no assertion criteria provided. Collection method: clinical testing. Allele origin: germline. Not counted in ClinVar's aggregate classification.
Comment: This variant is classified as likely benign based on ACMG/AMP sequence variant interpretation guidelines (Richards et al. 2015 PMID: 25741868, with internal and published modifications).

NM_173543.3(DZIP1L):c.1387C>T (p.Leu463=)

Gene: DZIP1L (DAZ interacting zinc finger protein 1 like; minus strand). Cytogenetic location: 3q22.3.
Variant type: single nucleotide variant.
Coding change: c.1387C>T on transcript NM_173543.3 (MANE Select); coding-DNA position 1387, C replaced by T.
Protein change: p.Leu463=; no amino-acid change (leucine 463 retained).
Molecular consequence: synonymous variant.
Genome position (GRCh38, 1-based): chr3:138,077,534, G>A on the plus strand (C>T on the coding strand, the complement: DZIP1L is on the minus strand). VCF-style: chr3-138077534-G-A. GRCh37 (hg19) VCF-style: chr3-137796376-G-A.
Other names: c.1387C>T, p.Leu463= (NM_001170538.1).
Identifiers: ClinVar variation 723362 (VCV000723362.9), dbSNP rs141311588, ClinGen allele CA2634932.